The following is an entry in ClinVar:

ClinVar aggregate classification (germline): Uncertain significance (1 of 4 stars; one submission).

Conditions:
CHD3-related disorder. Also called: CHD3-related condition.

Submission:

PreventionGenetics, part of Exact Sciences
Classification: Uncertain significance for CHD3-related condition. Last evaluated: 2026-08-18. Review status: criteria provided, single submitter. Criteria: ACMG Guidelines, 2015. Collection method: clinical testing. Allele origin: germline.
Comment: The CHD3 c.2886G>C variant is predicted to result in the amino acid substitution p.Lys962Asn. To our knowledge, this variant has not been reported in the literature or in a large population database (gnomAD), indicating this variant is rare. At this time, the clinical significance of this variant is uncertain due to the absence of conclusive functional and genetic evidence.

NM_001005273.3(CHD3):c.2709G>C (p.Lys903Asn)

Gene: CHD3 (chromodomain helicase DNA binding protein 3; plus strand). Cytogenetic location: 17p13.1.
Variant type: single nucleotide variant.
Coding change: c.2709G>C on transcript NM_001005273.3 (MANE Select); coding-DNA position 2709, G replaced by C.
Protein change: p.Lys903Asn; replaces lysine 903 with asparagine.
Molecular consequence: missense variant.
Genome position (GRCh38, 1-based): chr17:7,900,316, G>C. VCF-style: chr17-7900316-G-C. GRCh37 (hg19) VCF-style: chr17-7803634-G-C.
Other names: c.2886G>C, p.Lys962Asn (NM_001005271.3, NM_001437504.1); c.2874G>C, p.Lys958Asn (NM_001437507.1, NM_001437508.1, NM_001437509.1); c.2709G>C, p.Lys903Asn (NM_005852.4); short protein forms K903N, K958N, K962N.
Identifiers: ClinVar variation 4983143 (VCV004983143.1).
Genomic context (GRCh38, chr17:7,900,316, plus strand): 5'-CCATTTTCCTGCCTTGCCTTGCCCCATCTTTTAGTTTTTCAGGGTTCTCAATGGTTACAA[G>C]ATAGATCATAAGTTGCTGCTGACAGGAACCCCATTGCAGAATAATCTGGAGGAGCTCTTC-3'
Protein context (NP_001005273.1, residues 893-913): SKFFRVLNGY[Lys903Asn]IDHKLLLTGT